The following is an entry in ClinVar:

NM_001322934.2(NFKB2):c.1050C>A (p.Phe350Leu)

Gene: NFKB2 (nuclear factor kappa B subunit 2; plus strand). Cytogenetic location: 10q24.32.
Variant type: single nucleotide variant.
Coding change: c.1050C>A on transcript NM_001322934.2 (MANE Select); coding-DNA position 1050, C replaced by A.
Protein change: p.Phe350Leu; replaces phenylalanine 350 with leucine.
Molecular consequence: missense variant. On other transcripts: intron variant (1).
Genome position (GRCh38, 1-based): chr10:102,398,797, C>A. VCF-style: chr10-102398797-C-A. GRCh37 (hg19) VCF-style: chr10-104158554-C-A.
Other names: c.1050C>A, p.Phe350Leu (NM_001077493.1, NM_001077494.3, NM_001261403.3 and 2 more transcripts); c.991+274C>A (NM_001322935.1); short protein forms F350L.
Identifiers: ClinVar variation 2812892 (VCV002812892.3), dbSNP rs752760888, ClinGen allele CA5664715.

ClinVar aggregate classification (germline): Uncertain significance (1 of 4 stars; one submission).

Conditions:
Immunodeficiency, common variable, 10. Also called: IMMUNODEFICIENCY, COMMON VARIABLE, WITH CENTRAL ADRENAL INSUFFICIENCY; DEFICIT IN ANTERIOR PITUITARY FUNCTION AND VARIABLE IMMUNODEFICIENCY. Identifiers: MedGen C3809991, MONDO:0014260, OMIM 615577.

Allele frequency attached by ClinVar (database versions not stated): ExAC 0.00001.

Submission:

Labcorp Genetics (formerly Invitae), Labcorp
Classification: Uncertain significance for Immunodeficiency, common variable, 10. Last evaluated: 2023-09-20. Review status: criteria provided, single submitter. Criteria: Invitae Variant Classification Sherloc (09022015). Collection method: clinical testing. Allele origin: germline.
Comment: This sequence change replaces phenylalanine, which is neutral and non-polar, with leucine, which is neutral and non-polar, at codon 350 of the NFKB2 protein (p.Phe350Leu). The frequency data for this variant in the population databases is considered unreliable, as metrics indicate poor data quality at this position in the gnomAD database. This variant has not been reported in the literature in individuals affected with NFKB2-related conditions. An algorithm developed to predict the effect of missense changes on protein structure and function (PolyPhen-2) suggests that this variant is likely to be tolerated. In summary, the available evidence is currently insufficient to determine the role of this variant in disease. Therefore, it has been classified as a Variant of Uncertain Significance.